The following is an entry in ClinVar:

NM_001006658.3(CR2):c.1741C>T (p.Gln581Ter)

Gene: CR2 (complement C3d receptor 2; plus strand). Cytogenetic location: 1q32.2.
Variant type: single nucleotide variant.
Coding change: c.1741C>T on transcript NM_001006658.3 (MANE Select); coding-DNA position 1741, C replaced by T.
Protein change: p.Gln581Ter; replaces glutamine 581 with a stop codon.
Molecular consequence: nonsense.
Genome position (GRCh38, 1-based): chr1:207,472,942, C>T. VCF-style: chr1-207472942-C-T. GRCh37 (hg19) VCF-style: chr1-207646287-C-T.
Other names: c.1741C>T, p.Gln581Ter (NM_001877.5); short protein forms Q581*.
Identifiers: ClinVar variation 4775945 (VCV004775945.1).
Genomic context (GRCh38, chr1:207,472,942, plus strand): 5'-GAAAGAGGAGTGGAATTCAGCCTCATTGGAGAGAGCACCATCCGTTGTACAAGCAATGAT[C>T]AAGAAAGAGGCACCTGGAGTGGCCCTGCTCCCCTGTGTAAACTTTCCCTCCTTGCTGTCC-3'

ClinVar aggregate classification (germline): Pathogenic (1 of 4 stars; one submission).

Conditions:
Immunodeficiency, common variable, 7. Identifiers: Orphanet 1572, Orphanet 696894, MedGen C3542922, MONDO:0013862, OMIM 614699.

gnomAD v4.1: 1 of 1,614,044 alleles (0.000062%); no homozygotes.

Submission:

Labcorp Genetics (formerly Invitae), Labcorp
Classification: Pathogenic for Immunodeficiency, common variable, 7. Last evaluated: 2025-06-15. Review status: criteria provided, single submitter. Criteria: Invitae Variant Classification Sherloc (09022015). Collection method: clinical testing. Allele origin: germline.
Comment: This sequence change creates a premature translational stop signal (p.Gln581*) in the CR2 gene. It is expected to result in an absent or disrupted protein product. Loss-of-function variants in CR2 are known to be pathogenic (PMID: 26325596, 28499783). This variant is not present in population databases (gnomAD no frequency). This variant has not been reported in the literature in individuals affected with CR2-related conditions. For these reasons, this variant has been classified as Pathogenic.

Literature cited by the submitters: PubMed 26325596; PubMed 28499783.